The following is an entry in ClinVar:

NM_000479.5(AMH):c.23G>C (p.Ser8Thr)

Genes: AMH (anti-Mullerian hormone; plus strand), LOC108783649 (AMH 5' regulatory region; plus strand). Cytogenetic location: 19p13.3.
Variant type: single nucleotide variant.
Coding change: c.23G>C on transcript NM_000479.5 (MANE Select); coding-DNA position 23, G replaced by C.
Protein change: p.Ser8Thr; replaces serine 8 with threonine.
Molecular consequence: missense variant.
Genome position (GRCh38, 1-based): chr19:2,249,355, G>C. VCF-style: chr19-2249355-G-C. GRCh37 (hg19) VCF-style: chr19-2249354-G-C.
Other names: short protein forms S8T.
Identifiers: ClinVar variation 3025681 (VCV003025681.22), dbSNP rs145122767, ClinGen allele CA9062706.

ClinVar aggregate classification (germline): Uncertain significance (1 of 4 stars; one submission).

Allele frequency attached by ClinVar (database versions not stated): ExAC 0.00015; 1000 Genomes Project 0.00080; 1000 Genomes Project 30x 0.00109.
gnomAD v4.1: 132 of 1,578,786 alleles (0.0084%); highest among the groups gnomAD compares: Admixed American, 0.11%; no homozygotes.

Submission:

CeGaT Center for Human Genetics Tuebingen
Classification: Uncertain significance. Last evaluated: 2023-12-01. Review status: criteria provided, single submitter. Criteria: CeGaT Center For Human Genetics Tuebingen Variant Classification Criteria Version 2. Collection method: clinical testing. Allele origin: germline. Affected: yes. Observed: 1 variant allele.
Comment: AMH: PM2, BP4